The following is an entry in ClinVar:

NM_002381.5(MATN3):c.1272T>A (p.Asn424Lys)

Genes: MATN3 (matrilin 3; minus strand), WDR35-DT (WDR35 divergent transcript; plus strand). Cytogenetic location: 2p24.1.
Variant type: single nucleotide variant.
Coding change: c.1272T>A on transcript NM_002381.5 (MANE Select); coding-DNA position 1272, T replaced by A.
Protein change: p.Asn424Lys; replaces asparagine 424 with lysine.
Molecular consequence: missense variant.
Genome position (GRCh38, 1-based): chr2:19,997,156, A>T on the plus strand (T>A on the coding strand, the complement: MATN3 is on the minus strand). VCF-style: chr2-19997156-A-T. GRCh37 (hg19) VCF-style: chr2-20196917-A-T.
Other names: short protein forms N424K.
Identifiers: ClinVar variation 4624368 (VCV004624368.2).

ClinVar aggregate classification (germline): Uncertain significance. Review status: criteria provided, multiple submitters, no conflicts (2 of 4 stars). 2 submissions from 2 submitters: Uncertain significance (2). Last evaluated 2025-12-04.

Conditions:
Inborn genetic diseases. Identifiers: MedGen C0950123, MeSH D030342.

Submissions (2):

Ambry Genetics
Classification: Uncertain significance for Inborn genetic diseases. Last evaluated: 2025-12-04. Review status: criteria provided, single submitter. Criteria: Ambry Variant Classification Scheme 2023. Collection method: clinical testing. Allele origin: germline.

Labcorp Genetics (formerly Invitae), Labcorp
Classification: Uncertain significance. Last evaluated: 2025-03-27. Review status: criteria provided, single submitter. Criteria: Invitae Variant Classification Sherloc (09022015). Collection method: clinical testing. Allele origin: germline.
Comment: This sequence change replaces asparagine, which is neutral and polar, with lysine, which is basic and polar, at codon 424 of the MATN3 protein (p.Asn424Lys). This variant is not present in population databases (gnomAD no frequency). This variant has not been reported in the literature in individuals affected with MATN3-related conditions. Invitae Evidence Modeling of protein sequence and biophysical properties (such as structural, functional, and spatial information, amino acid conservation, physicochemical variation, residue mobility, and thermodynamic stability) indicates that this missense variant is not expected to disrupt MATN3 protein function with a negative predictive value of 80%. In summary, the available evidence is currently insufficient to determine the role of this variant in disease. Therefore, it has been classified as a Variant of Uncertain Significance.